The following is an entry in ClinVar:

ClinVar aggregate classification (germline): Likely benign. Review status: criteria provided, multiple submitters, no conflicts (2 of 4 stars). 5 submissions from 5 submitters: Likely benign (3). 2 of the submissions do not count toward it. Last evaluated 2025-12-30.

Conditions:
SLC39A4-related disorder. Also called: SLC39A4-related condition.
Hereditary acrodermatitis enteropathica (AEZ). Also called: Acrodermatitis enteropathica. Identifiers: Orphanet 37, MedGen C0221036, MONDO:0008713, OMIM 201100.

Allele frequency attached by ClinVar (database versions not stated): gnomAD exomes 0.00004 and 0.00012; ExAC 0.00008; ESP Exome Variant Server 0.00008; TOPMed 0.00038; gnomAD 0.00040 and 0.00041; 1000 Genomes Project 0.00140; 1000 Genomes Project 30x 0.00156.
gnomAD v4.1: 126 of 1,611,634 alleles (0.0078%); highest among the groups gnomAD compares: African/African-American, 0.13%; 1 homozygote.

Submissions (5):

Labcorp Genetics (formerly Invitae), Labcorp
Classification: Likely benign. Last evaluated: 2025-12-30. Review status: criteria provided, single submitter. Criteria: Invitae Variant Classification Sherloc (09022015). Collection method: clinical testing. Allele origin: germline.

CeGaT Center for Human Genetics Tuebingen
Classification: Likely benign. Last evaluated: 2022-05-01. Review status: criteria provided, single submitter. Criteria: CeGaT Center For Human Genetics Tuebingen Variant Classification Criteria Version 2. Collection method: clinical testing. Allele origin: germline. Affected: yes. Observed: 1 variant allele.
Comment: SLC39A4: BP4, BP7

Breakthrough Genomics
Classification: Likely benign. Review status: criteria provided, single submitter. Criteria: ACMG Guidelines, 2015. Collection method: not provided. Allele origin: germline. Inheritance: Autosomal recessive inheritance. Affected: yes.

PreventionGenetics, part of Exact Sciences
Classification: Likely benign for SLC39A4-related condition. Last evaluated: 2024-08-09. Review status: no assertion criteria provided. Collection method: clinical testing. Allele origin: germline. Not counted in ClinVar's aggregate classification.
Comment: This variant is classified as likely benign based on ACMG/AMP sequence variant interpretation guidelines (Richards et al. 2015 PMID: 25741868, with internal and published modifications).

Natera, Inc.
Classification: Likely benign for Acrodermatitis enteropathica. Last evaluated: 2020-09-16. Review status: no assertion criteria provided. Collection method: clinical testing. Allele origin: germline. Not counted in ClinVar's aggregate classification.

NM_130849.4(SLC39A4):c.744C>T (p.Ala248=)

Gene: SLC39A4 (solute carrier family 39 member 4; minus strand). Cytogenetic location: 8q24.3.
Variant type: single nucleotide variant.
Coding change: c.744C>T on transcript NM_130849.4 (MANE Select); coding-DNA position 744, C replaced by T.
Protein change: p.Ala248=; no amino-acid change (alanine 248 retained).
Molecular consequence: synonymous variant.
Genome position (GRCh38, 1-based): chr8:144,415,034, G>A on the plus strand (C>T on the coding strand, the complement: SLC39A4 is on the minus strand). VCF-style: chr8-144415034-G-A. GRCh37 (hg19) VCF-style: chr8-145640418-G-A.
Other names: c.462C>T, p.Ala154= (NM_001374839.1); c.669C>T, p.Ala223= (NM_017767.3).
Identifiers: ClinVar variation 722133 (VCV000722133.35), dbSNP rs201676788, ClinGen allele CA4941553.